The following is an entry in ClinVar:

NM_001170700.3(DTHD1):c.1295C>T (p.Thr432Ile)

Gene: DTHD1 (death domain containing 1; plus strand). Cytogenetic location: 4p14.
Variant type: single nucleotide variant.
Coding change: c.1295C>T on transcript NM_001170700.3 (MANE Select); coding-DNA position 1295, C replaced by T.
Protein change: p.Thr432Ile; replaces threonine 432 with isoleucine.
Molecular consequence: missense variant. On other transcripts: non-coding transcript variant (2).
Genome position (GRCh38, 1-based): chr4:36,293,602, C>T. VCF-style: chr4-36293602-C-T. GRCh37 (hg19) VCF-style: chr4-36295224-C-T.
Other names: c.425C>T, p.Thr142Ile (NM_001136536.5); c.362C>T, p.Thr121Ile (NM_001378435.1); short protein forms T432I, T121I, T142I.
Identifiers: ClinVar variation 1402083 (VCV001402083.9), dbSNP rs1278377276, ClinGen allele CA356679491.

ClinVar aggregate classification (germline): Uncertain significance (1 of 4 stars; one submission).

Allele frequency attached by ClinVar (database versions not stated): gnomAD exomes 0.00001.
gnomAD v4.1: 4 of 1,549,524 alleles (0.00026%); highest among the groups gnomAD compares: Non-Finnish European, 0.00017%; no homozygotes.

Submission:

Labcorp Genetics (formerly Invitae), Labcorp
Classification: Uncertain significance. Last evaluated: 2025-08-24. Review status: criteria provided, single submitter. Criteria: Invitae Variant Classification Sherloc (09022015). Collection method: clinical testing. Allele origin: germline.
Comment: This sequence change replaces threonine, which is neutral and polar, with isoleucine, which is neutral and non-polar, at codon 142 of the DTHD1 protein (p.Thr142Ile). This variant is present in population databases (no rsID available, gnomAD 0.003%). This variant has not been reported in the literature in individuals affected with DTHD1-related conditions. ClinVar contains an entry for this variant (Variation ID: 1402083). An algorithm developed to predict the effect of missense changes on protein structure and function outputs the following: PolyPhen-2: "Benign". The isoleucine amino acid residue is found in multiple mammalian species, which suggests that this missense change does not adversely affect protein function. In summary, the available evidence is currently insufficient to determine the role of this variant in disease. Therefore, it has been classified as a Variant of Uncertain Significance.